The following is an entry in ClinVar:

NM_032188.3(KAT8):c.630_631del (p.Cys210_Glu211delinsTer)

Gene: KAT8 (lysine acetyltransferase 8; plus strand). Cytogenetic location: 16p11.2.
Variant type: Deletion.
Coding change: c.630_631del on transcript NM_032188.3 (MANE Select); coding-DNA positions 630 to 631, 2 bases deleted (CG; older notation c.630_631delCG).
Protein change: p.Cys210_Glu211delinsTer.
Molecular consequence: nonsense.
Genome position (GRCh38, 1-based): chr16:31,127,302-31,127,303, CG deleted; deleting any 2 consecutive bases within chr16:31,127,301-31,127,303 gives the same sequence; the c. name uses the placement nearest the transcript's 3' end. VCF-style (leftmost placement, unchanged base first): chr16-31127300-TGC-T. GRCh37 (hg19) VCF-style: chr16-31138621-TGC-T.
Other names: c.630_631del, p.Cys210_Glu211delinsTer (NM_182958.4).
Identifiers: ClinVar variation 2446695 (VCV002446695.1), dbSNP rs2544173254, ClinGen allele CA2575975451.
Genomic context (GRCh38, chr16:31,127,300, plus strand): 5'-GATGCCTGGTATTTCTCACCATTCCCCGAAGACTATGGGAAACAGCCCAAGCTCTGGCTC[TGC>T]GAGTACTGCCTCAAGTACATGAAATATGAGAAGAGCTACCGCTTCCACTTGGTGAGGCTG-3'

ClinVar aggregate classification (germline): Uncertain significance (1 of 4 stars; one submission).

Submission:

GeneDx
Classification: Uncertain significance. Last evaluated: 2022-10-03. Review status: criteria provided, single submitter. Criteria: GeneDx Variant Classification Process June 2021. Collection method: clinical testing. Allele origin: germline. Affected: yes.
Comment: Not observed at significant frequency in large population cohorts (gnomAD); Nonsense variant predicted to result in protein truncation or nonsense mediated decay in a gene or region of a gene for which loss of function is not a well-established mechanism of disease; Has not been previously published as pathogenic or benign to our knowledge